The following is an entry in ClinVar:

NM_000057.4(BLM):c.133A>T (p.Asn45Tyr)

Gene: BLM (BLM RecQ like helicase; plus strand). Cytogenetic location: 15q26.1.
Variant type: single nucleotide variant.
Coding change: c.133A>T on transcript NM_000057.4 (MANE Select); coding-DNA position 133, A replaced by T.
Protein change: p.Asn45Tyr; replaces asparagine 45 with tyrosine.
Molecular consequence: missense variant. On other transcripts: 5 prime UTR variant (1).
Genome position (GRCh38, 1-based): chr15:90,749,401, A>T. VCF-style: chr15-90749401-A-T. GRCh37 (hg19) VCF-style: chr15-91292631-A-T.
Other names: c.133A>T, p.Asn45Tyr (NM_001287246.2, NM_001287247.2); c.-1159A>T (NM_001287248.2); short protein forms N45Y.
Identifiers: ClinVar variation 3824445 (VCV003824445.1).

ClinVar aggregate classification (germline): Uncertain significance (1 of 4 stars; one submission).

Conditions:
Hereditary cancer-predisposing syndrome. Also called: Hereditary neoplastic syndrome; Neoplastic Syndromes, Hereditary; Tumor predisposition; Hereditary Cancer Syndrome. Identifiers: Orphanet 140162, MedGen C0027672, MeSH D009386, MONDO:0015356.

Submission:

Ambry Genetics
Classification: Uncertain significance for Hereditary cancer-predisposing syndrome. Last evaluated: 2025-01-05. Review status: criteria provided, single submitter. Criteria: Ambry Variant Classification Scheme 2023. Collection method: clinical testing. Allele origin: germline.
Comment: The p.N45Y variant (also known as c.133A>T), located in coding exon 2 of the BLM gene, results from an A to T substitution at nucleotide position 133. The asparagine at codon 45 is replaced by tyrosine, an amino acid with dissimilar properties. This amino acid position is conserved. In addition, this alteration is predicted to be tolerated by in silico analysis. Based on the available evidence, the clinical significance of this variant remains unclear.